The following is an entry in ClinVar:

ClinVar aggregate classification (germline): Conflicting classifications of pathogenicity. Review status: criteria provided, conflicting classifications (1 of 4 stars). 9 submissions from 9 submitters: Uncertain significance (4); Likely benign (4). 1 of the submissions does not count toward it. Last evaluated 2026-02-03.

Conditions:
MSH3-related disorder. Also called: MSH3-related condition.
Familial adenomatous polyposis 4 (FAP4). Also called: MSH3-related attenuated familial adenomatous polyposis. Identifiers: Orphanet 480536, MedGen C4310719, MONDO:0044300, OMIM 617100.
Endometrial carcinoma. Also called: Endometrial carcinoma, somatic. Identifiers: MedGen C0476089, MONDO:0002447, OMIM 608089, HP:0012114.
Hereditary cancer-predisposing syndrome. Also called: Tumor predisposition; Neoplastic Syndromes, Hereditary; Hereditary neoplastic syndrome; Hereditary Cancer Syndrome. Identifiers: Orphanet 140162, MedGen C0027672, MeSH D009386, MONDO:0015356.

Allele frequency attached by ClinVar (database versions not stated): gnomAD exomes 0.00051; ExAC 0.00065; 1000 Genomes Project 30x 0.00094; 1000 Genomes Project 0.00100; ESP Exome Variant Server 0.00108; gnomAD 0.00127 and 0.00128; TOPMed 0.00144.
gnomAD v4.1: 559 of 1,613,994 alleles (0.035%); highest among the groups gnomAD compares: African/African-American, 0.46%; 5 homozygotes.

Submissions (9):

Labcorp Genetics (formerly Invitae), Labcorp
Classification: Likely benign. Last evaluated: 2026-02-03. Review status: criteria provided, single submitter. Criteria: Invitae Variant Classification Sherloc (09022015). Collection method: clinical testing. Allele origin: germline.

Center for Genomic Medicine, Rigshospitalet, Copenhagen University Hospital
Classification: Uncertain significance. Last evaluated: 2025-12-29. Review status: criteria provided, single submitter. Criteria: ACMG Guidelines, 2015. Collection method: clinical testing. Allele origin: germline.

Quest Diagnostics Nichols Institute San Juan Capistrano
Classification: Likely benign. Last evaluated: 2025-03-19. Review status: criteria provided, single submitter. Criteria: Quest Diagnostics criteria. Collection method: clinical testing. Allele origin: unknown.

GeneDx
Classification: Uncertain significance. Last evaluated: 2025-01-02. Review status: criteria provided, single submitter. Criteria: GeneDx Variant Classification Process June 2021. Collection method: clinical testing. Allele origin: germline. Affected: yes.
Comment: In silico analysis indicates that this missense variant does not alter protein structure/function; Has not been previously published as pathogenic or benign to our knowledge; This variant is associated with the following publications: (PMID: 29641532)

Blueprint Genetics
Classification: Likely benign. Last evaluated: 2024-10-28. Review status: criteria provided, single submitter. Criteria: ACMG Guidelines, 2015. Collection method: clinical testing. Allele origin: germline.

Department of Pathology and Laboratory Medicine, Sinai Health System
Classification: Uncertain significance for Endometrial carcinoma; Familial adenomatous polyposis 4. Last evaluated: 2024-08-16. Review status: criteria provided, single submitter. Criteria: ACMG Guidelines, 2015. Collection method: clinical testing. Allele origin: germline.

Sema4
Classification: Uncertain significance for Hereditary cancer-predisposing syndrome. Last evaluated: 2021-11-07. Review status: criteria provided, single submitter. Criteria: Sema4 Curation Guidelines. Collection method: curation. Allele origin: germline.
Comment: The MSH3 c.1313C>T (p.A438V) variant has not been reported in individuals affected with MSH3-related disease to our knowledge. It was observed in 95/24962 chromosomes of the African subpopulation, with one homozygote, in the large and broad cohorts of the Genome Aggregation Database (PMID: 32461654). The variant has been reported in ClinVar (Variation ID 791261). Functional studies have not been performed, and in silico predictions of the variant's effect on protein function are inconclusive. The evidence is insufficient to meet ACMG/AMP criteria for classifying the variant as benign or pathogenic. Thus, the clinical significance of this variant is currently uncertain.

Ambry Genetics
Classification: Likely benign for Hereditary cancer-predisposing syndrome. Last evaluated: 2021-05-13. Review status: criteria provided, single submitter. Criteria: Ambry Variant Classification Scheme 2023. Collection method: clinical testing. Allele origin: germline.

PreventionGenetics, part of Exact Sciences
Classification: Likely benign for MSH3-related condition. Last evaluated: 2021-02-04. Review status: no assertion criteria provided. Collection method: clinical testing. Allele origin: germline. Not counted in ClinVar's aggregate classification.
Comment: This variant is classified as likely benign based on ACMG/AMP sequence variant interpretation guidelines (Richards et al. 2015 PMID: 25741868, with internal and published modifications).

Literature cited by the submitters: PubMed 39541563 (cited by Quest Diagnostics Nichols Institute San Juan Capistrano); PubMed 29641532 (cited by Quest Diagnostics Nichols Institute San Juan Capistrano and Department of Pathology and Laboratory Medicine, Sinai Health System).

NM_002439.5(MSH3):c.1313C>T (p.Ala438Val)

Gene: MSH3 (mutS homolog 3; plus strand). Cytogenetic location: 5q14.1.
Variant type: single nucleotide variant.
Coding change: c.1313C>T on transcript NM_002439.5 (MANE Select); coding-DNA position 1313, C replaced by T.
Protein change: p.Ala438Val; replaces alanine 438 with valine.
Molecular consequence: missense variant.
Genome position (GRCh38, 1-based): chr5:80,679,066, C>T. VCF-style: chr5-80679066-C-T. GRCh37 (hg19) VCF-style: chr5-79974885-C-T.
Other names: short protein forms A438V.
Identifiers: ClinVar variation 791261 (VCV000791261.26), dbSNP rs35121792, ClinGen allele CA3327857.